The following is an entry in ClinVar:

ClinVar aggregate classification (germline): Uncertain significance (1 of 4 stars; one submission).

Conditions:
Combined immunodeficiency due to DOCK8 deficiency (HIES2). Also called: HIES autosomal recessive; Hyper-IgE recurrent infection syndrome, autosomal recessive; HYPER-IgE RECURRENT INFECTION SYNDROME 2, AUTOSOMAL RECESSIVE; HYPER-IgE SYNDROME 2, AUTOSOMAL RECESSIVE, WITH RECURRENT INFECTIONS; DOCK8 Deficiency. Identifiers: Orphanet 217390, MedGen C4722305, MONDO:0009478, OMIM 243700.

Submission:

Labcorp Genetics (formerly Invitae), Labcorp
Classification: Uncertain significance for Combined immunodeficiency due to DOCK8 deficiency. Last evaluated: 2023-03-03. Review status: criteria provided, single submitter. Criteria: Invitae Variant Classification Sherloc (09022015). Collection method: clinical testing. Allele origin: germline.
Comment: Advanced modeling of protein sequence and biophysical properties (such as structural, functional, and spatial information, amino acid conservation, physicochemical variation, residue mobility, and thermodynamic stability) performed at Invitae indicates that this missense variant is not expected to disrupt DOCK8 protein function. In summary, the available evidence is currently insufficient to determine the role of this variant in disease. Therefore, it has been classified as a Variant of Uncertain Significance. This variant is not present in population databases (gnomAD no frequency). This sequence change replaces alanine, which is neutral and non-polar, with threonine, which is neutral and polar, at codon 889 of the DOCK8 protein (p.Ala889Thr). This variant has not been reported in the literature in individuals affected with DOCK8-related conditions.

NM_203447.4(DOCK8):c.2665G>A (p.Ala889Thr)

Gene: DOCK8 (dedicator of cytokinesis 8; plus strand). Cytogenetic location: 9p24.3.
Variant type: single nucleotide variant.
Coding change: c.2665G>A on transcript NM_203447.4 (MANE Select); coding-DNA position 2665, G replaced by A.
Protein change: p.Ala889Thr; replaces alanine 889 with threonine.
Molecular consequence: missense variant.
Genome position (GRCh38, 1-based): chr9:382,572, G>A. VCF-style: chr9-382572-G-A. GRCh37 (hg19) VCF-style: chr9-382572-G-A.
Other names: c.2461G>A, p.Ala821Thr (NM_001190458.2, NM_001193536.2); short protein forms A889T, A821T.
Identifiers: ClinVar variation 2842554 (VCV002842554.3), dbSNP rs2538388892, ClinGen allele CA372765247.